The following is an entry in ClinVar:

NM_000250.2(MPO):c.604dup (p.Glu202fs)

Gene: MPO (myeloperoxidase; minus strand). Cytogenetic location: 17q22.
Variant type: Duplication.
Coding change: c.604dup on transcript NM_000250.2 (MANE Select); coding-DNA position 604, one base duplicated (G; older notation c.604dupG).
Protein change: p.Glu202fs; shifts the reading frame from glutamic acid 202.
Molecular consequence: frameshift variant.
Genome position (GRCh38, 1-based): chr17:58,279,371, C duplicated on the plus strand (G on the coding strand, the reverse complement: MPO is on the minus strand); the first of 2 consecutive C bases (chr17:58,279,371-58,279,372); duplicating either gives the same sequence. VCF-style (leftmost placement, unchanged base first): chr17-58279370-T-TC. GRCh37 (hg19) VCF-style: chr17-56356731-T-TC.
Other names: c.604dupG (NM_000250.1); short protein forms E202fs.
Identifiers: ClinVar variation 3351076 (VCV003351076.1).

ClinVar aggregate classification (germline): Likely pathogenic (0 of 4 stars; one submission).

Conditions:
MPO-related disorder. Also called: MPO-related condition.

Submission:

PreventionGenetics, part of Exact Sciences
Classification: Likely pathogenic for MPO-related condition. Last evaluated: 2024-09-19. Review status: no assertion criteria provided. Collection method: clinical testing. Allele origin: germline.
Comment: The MPO c.604dupG variant is predicted to result in a frameshift and premature protein termination (p.Glu202Glyfs*3). To our knowledge, this variant has not been reported in the literature. This variant is reported in 0.0079% of alleles in individuals of African descent in gnomAD. Frameshift variants in MPO are expected to be pathogenic. This variant is interpreted as likely pathogenic.